The following is an entry in ClinVar:

ClinVar aggregate classification (germline): Benign/Likely benign. Review status: criteria provided, multiple submitters, no conflicts (2 of 4 stars). 2 submissions from 2 submitters: Benign (1); Likely benign (1). Last evaluated 2026-01-12.

Conditions:
Autosomal recessive omodysplasia (OMOD1). Also called: MICROMELIC DYSPLASIA, CONGENITAL, WITH DISLOCATION OF RADIUS. Identifiers: Orphanet 2733, Orphanet 93329, MedGen C1850318, MONDO:0009779, OMIM 258315.

Allele frequency attached by ClinVar (database versions not stated): TOPMed 0.00081; 1000 Genomes Project 0.00120; 1000 Genomes Project 30x 0.00125; ESP Exome Variant Server 0.00131; gnomAD 0.00253 and 0.00261.
gnomAD v4.1: 3,077 of 1,613,672 alleles (0.19%); highest among the groups gnomAD compares: Non-Finnish European, 0.15%; 17 homozygotes.

Submissions (2):

Labcorp Genetics (formerly Invitae), Labcorp
Classification: Benign. Last evaluated: 2026-01-12. Review status: criteria provided, single submitter. Criteria: Invitae Variant Classification Sherloc (09022015). Collection method: clinical testing. Allele origin: germline.

Illumina Laboratory Services, Illumina
Classification: Likely benign for Autosomal recessive omodysplasia. Last evaluated: 2018-01-13. Review status: criteria provided, single submitter. Criteria: ICSL Variant Classification Criteria 13 December 2019. Collection method: clinical testing. Allele origin: germline.
Comment: This variant was observed in the ICSL laboratory as part of a predisposition screen in an ostensibly healthy population. It had not been previously curated by ICSL or reported in the Human Gene Mutation Database (HGMD: prior to June 1st, 2018), and was therefore a candidate for classification through an automated scoring system. Utilizing variant allele frequency, disease prevalence and penetrance estimates, and inheritance mode, an automated score was calculated to assess if this variant is too frequent to cause the disease. Based on the score and internal cut-off values, a variant classified as likely benign is not then subjected to further curation. The score for this variant resulted in a classification of likely benign for this disease.

NM_005708.5(GPC6):c.1341C>T (p.Pro447=)

Gene: GPC6 (glypican 6; plus strand). Cytogenetic location: 13q31.3.
Variant type: single nucleotide variant.
Coding change: c.1341C>T on transcript NM_005708.5 (MANE Select); coding-DNA position 1341, C replaced by T.
Protein change: p.Pro447=; no amino-acid change (proline 447 retained).
Molecular consequence: synonymous variant.
Genome position (GRCh38, 1-based): chr13:94,398,517, C>T. VCF-style: chr13-94398517-C-T. GRCh37 (hg19) VCF-style: chr13-95050771-C-T.
Identifiers: ClinVar variation 312550 (VCV000312550.13), dbSNP rs140196319, ClinGen allele CA7017162.